The following is an entry in ClinVar:

ClinVar aggregate classification (germline): Pathogenic (1 of 4 stars; one submission).

Submission:

Labcorp Genetics (formerly Invitae), Labcorp
Classification: Pathogenic. Last evaluated: 2024-12-16. Review status: criteria provided, single submitter. Criteria: Invitae Variant Classification Sherloc (09022015). Collection method: clinical testing. Allele origin: germline.
Comment: This sequence change creates a premature translational stop signal (p.Lys167*) in the ACO2 gene. It is expected to result in an absent or disrupted protein product. Loss-of-function variants in ACO2 are known to be pathogenic (PMID: 30689204, 32519519). This variant is not present in population databases (gnomAD no frequency). This variant has not been reported in the literature in individuals affected with ACO2-related conditions. ClinVar contains an entry for this variant (Variation ID: 1420778). For these reasons, this variant has been classified as Pathogenic.

Literature cited by the submitters: PubMed 30689204; PubMed 32519519.

NM_001098.3(ACO2):c.499A>T (p.Lys167Ter)

Gene: ACO2 (aconitase 2; plus strand). Cytogenetic location: 22q13.2.
Variant type: single nucleotide variant.
Coding change: c.499A>T on transcript NM_001098.3 (MANE Select); coding-DNA position 499, A replaced by T.
Protein change: p.Lys167Ter; replaces lysine 167 with a stop codon.
Molecular consequence: nonsense.
Genome position (GRCh38, 1-based): chr22:41,511,942, A>T. VCF-style: chr22-41511942-A-T. GRCh37 (hg19) VCF-style: chr22-41907946-A-T.
Other names: short protein forms K167*.
Identifiers: ClinVar variation 1420778 (VCV001420778.6), dbSNP rs2146120226, ClinGen allele CA411715993.
Genomic context (GRCh38, chr22:41,511,942, plus strand): 5'-AACCAGGAAGTTTATAATTTCCTGGCAACTGCAGGTGCCAAATATGGCGTGGGCTTCTGG[A>T]AGCCTGGATCTGGAATCATTCACCAGGTAAAGCTGGGCTCAGTCTGCCGTCCCAAGGGCC-3'